The following is an entry in ClinVar:

ClinVar aggregate classification (germline): Benign/Likely benign. Review status: criteria provided, multiple submitters, no conflicts (2 of 4 stars). 7 submissions from 7 submitters: Benign (6); Likely benign (1). Last evaluated 2026-01-03.

Conditions:
Inborn genetic diseases. Identifiers: MedGen C0950123, MeSH D030342.
Hypogonadotropic hypogonadism 5 with or without anosmia (KAL5). Also called: HYPOGONADOTROPIC HYPOGONADISM 5 WITH ANOSMIA; HYPOGONADOTROPHIC HYPOGONADISM 5 WITHOUT ANOSMIA; CHD7-Related GnRH Deficiency (Kallmann Syndrome 5). Identifiers: Orphanet 478, MedGen C3552553, MONDO:0012880, OMIM 612370. Disease mechanism: loss of function.
CHARGE syndrome (CHARGE). Also called: Coloboma, heart anomaly, choanal atresia, retardation, genital and ear anomalies; CHARGE association; Hall-Hittner syndrome; CHARGE ASSOCIATION--COLOBOMA, HEART ANOMALY, CHOANAL ATRESIA, RETARDATION, GENITAL AND EAR ANOMALIES; Hittner Hirsch Kreh syndrome. Identifiers: Orphanet 138, MedGen C0265354, MONDO:0008965.

Allele frequency attached by ClinVar (database versions not stated): gnomAD 0.00006; ESP Exome Variant Server 0.00008; TOPMed 0.00019; gnomAD exomes 0.00329; ExAC 0.00494; 1000 Genomes Project 30x 0.00796; 1000 Genomes Project 0.00839.
gnomAD v4.1: 2,678 of 1,608,816 alleles (0.17%); highest among the groups gnomAD compares: South Asian, 2.8%; 66 homozygotes.

Submissions (7):

Labcorp Genetics (formerly Invitae), Labcorp
Classification: Benign for CHARGE syndrome. Last evaluated: 2026-01-03. Review status: criteria provided, single submitter. Criteria: Invitae Variant Classification Sherloc (09022015). Collection method: clinical testing. Allele origin: germline.

Blueprint Genetics
Classification: Benign. Last evaluated: 2024-11-19. Review status: criteria provided, single submitter. Criteria: ACMG Guidelines, 2015. Collection method: clinical testing. Allele origin: germline.

Laboratory for Molecular Medicine, Mass General Brigham Personalized Medicine
Classification: Benign. Last evaluated: 2017-08-23. Review status: criteria provided, single submitter. Criteria: LMM Criteria. Collection method: clinical testing. Allele origin: germline. Observed: 2 variant alleles.
Comment: p.Thr894Ala in exon 9 of CHD7: This variant is not expected to have clinical sig nificance because it has been identified in 3.48% (412/11846) of South Asian chr omosomes by the Exome Aggregation Consortium (ExAC, rg; dbSNP rs377662366).

Illumina Laboratory Services, Illumina
Classification: Likely benign for Kallmann Syndrome 5. Last evaluated: 2017-04-27. Review status: criteria provided, single submitter. Criteria: ICSL Variant Classification Criteria 13 December 2019. Collection method: clinical testing. Allele origin: germline.
Comment: This variant was observed as part of a predisposition screen in an ostensibly healthy population. A literature search was performed for the gene, cDNA change, and amino acid change (where applicable). No publications were found based on this search. Allele frequency data from public databases allowed determination this variant is unlikely to cause disease. Therefore, this variant is classified as likely benign.

Eurofins Ntd Llc (ga)
Classification: Benign. Last evaluated: 2017-02-09. Review status: criteria provided, single submitter. Criteria: EGL Classification Definitions 2015. Collection method: clinical testing. Allele origin: germline. Observed: 1 variant allele, 1 heterozygote.

Ambry Genetics
Classification: Benign for Inborn genetic diseases. Last evaluated: 2016-11-18. Review status: criteria provided, single submitter. Criteria: Ambry Variant Classification Scheme 2023. Collection method: clinical testing. Allele origin: germline.

GeneDx
Classification: Benign. Last evaluated: 2016-05-13. Review status: criteria provided, single submitter. Criteria: GeneDx Variant Classification (06012015). Collection method: clinical testing. Allele origin: germline. Affected: yes.
Comment: This variant is considered likely benign or benign based on one or more of the following criteria: it is a conservative change, it occurs at a poorly conserved position in the protein, it is predicted to be benign by multiple in silico algorithms, and/or has population frequency not consistent with disease.

Literature cited by the submitters: PubMed 21158681 (cited by Eurofins Ntd Llc (ga)).

NM_017780.4(CHD7):c.2680A>G (p.Thr894Ala)

Gene: CHD7 (chromodomain helicase DNA binding protein 7; plus strand). Cytogenetic location: 8q12.2.
Variant type: single nucleotide variant.
Coding change: c.2680A>G on transcript NM_017780.4 (MANE Select); coding-DNA position 2680, A replaced by G.
Protein change: p.Thr894Ala; replaces threonine 894 with alanine.
Molecular consequence: missense variant. On other transcripts: intron variant (1).
Genome position (GRCh38, 1-based): chr8:60,820,073, A>G. VCF-style: chr8-60820073-A-G. GRCh37 (hg19) VCF-style: chr8-61732632-A-G.
Other names: c.1716+39023A>G (NM_001316690.1); short protein forms T894A.
Identifiers: ClinVar variation 199142 (VCV000199142.28), dbSNP rs377662366, ClinGen allele CA248178.